The following is an entry in ClinVar:

ClinVar aggregate classification (germline): Pathogenic/Likely pathogenic. Review status: criteria provided, multiple submitters, no conflicts (2 of 4 stars). 4 submissions from 4 submitters: Pathogenic (2); Likely pathogenic (2). Last evaluated 2025-07-29.

Conditions:
Niemann-Pick disease, type A. Also called: Infantile Neurovisceral ASMD (Niemann-Pick Disease Type A; NPD-A); SPHINGOMYELIN LIPIDOSIS; SPHINGOMYELINASE DEFICIENCY. Identifiers: Orphanet 77292, MedGen C0268242, MONDO:0009756, OMIM 257200. Disease mechanism: loss of function.
Niemann-Pick disease, type B. Also called: Chronic Visceral ASMD (Niemann-Pick Disease Type B; NPD-B). Identifiers: Orphanet 77293, MedGen C0268243, MONDO:0011871, OMIM 607616. Disease mechanism: loss of function.

Allele frequency attached by ClinVar (database versions not stated): gnomAD exomes 0.00002 and 0.00001; gnomAD 0.00001; ExAC 0.00002; TOPMed below 0.00001.
gnomAD v4.1: 7 of 1,614,012 alleles (0.00043%); highest among the groups gnomAD compares: Admixed American, 0.01%; no homozygotes.

Submissions (4):

Natera, Inc.
Classification: Pathogenic for Niemann-Pick Disease, Types A/B. Last evaluated: 2025-07-29. Review status: criteria provided, single submitter. Criteria: Natera Variant Classification Schema (03/2026). Collection method: clinical testing. Allele origin: germline.
Comment: The c.1343A>G variant in SMPD1 is a missense variant predicted to cause substitution of tyrosine to cysteine at amino acid 448. This variant is rare in the general population with a frequency below the threshold expected for the associated phenotype(s). This variant has been observed in one or more individuals affected with the associated recessive disease, as either homozygous or compound heterozygous with a second variant (PMID: 29485843, 35534800, 31122880, 26981555). Functional studies show that this variant may disrupt protein function (PMID: 8693491). Computational prediction algorithms indicate this variant is likely to affect gene or protein function. Given the available evidence, this variant is classified as Pathogenic.

Labcorp Genetics (formerly Invitae), Labcorp
Classification: Pathogenic for Niemann-Pick disease, type B; Niemann-Pick disease, type A. Last evaluated: 2025-07-08. Review status: criteria provided, single submitter. Criteria: Invitae Variant Classification Sherloc (09022015). Collection method: clinical testing. Allele origin: germline.
Comment: This sequence change replaces tyrosine, which is neutral and polar, with cysteine, which is neutral and slightly polar, at codon 448 of the SMPD1 protein (p.Tyr448Cys). This variant is present in population databases (rs747143343, gnomAD 0.01%). This missense change has been observed in individual(s) with Niemann-Pick disease type A or B (PMID: 8693491, 29485843, 31122880). In at least one individual the data is consistent with being in trans (on the opposite chromosome) from a pathogenic variant. This variant is also known as Y446C. ClinVar contains an entry for this variant (Variation ID: 242451). Invitae Evidence Modeling of protein sequence and biophysical properties (such as structural, functional, and spatial information, amino acid conservation, physicochemical variation, residue mobility, and thermodynamic stability) indicates that this missense variant is expected to disrupt SMPD1 protein function with a positive predictive value of 95%. Experimental studies have shown that this missense change affects SMPD1 function (PMID: 8693491). For these reasons, this variant has been classified as Pathogenic.

Baylor Genetics
Classification: Likely pathogenic for Niemann-Pick disease, type A. Last evaluated: 2024-03-05. Review status: criteria provided, single submitter. Criteria: ACMG Guidelines, 2015. Collection method: clinical testing. Allele origin: unknown.

Fulgent Genetics
Classification: Likely pathogenic for Niemann-Pick disease, type A; Niemann-Pick disease, type B. Last evaluated: 2024-03-04. Review status: criteria provided, single submitter. Criteria: ACMG Guidelines, 2015. Collection method: clinical testing. Allele origin: germline.

Literature cited by the submitters: PubMed 29485843 (cited by Natera, Inc. and Labcorp Genetics (formerly Invitae), Labcorp); PubMed 35534800 (cited by Natera, Inc.); PubMed 31122880 (cited by Natera, Inc. and Labcorp Genetics (formerly Invitae), Labcorp); PubMed 26981555 (cited by Natera, Inc.); PubMed 8693491 (cited by Natera, Inc. and Labcorp Genetics (formerly Invitae), Labcorp).

NM_000543.5(SMPD1):c.1343A>G (p.Tyr448Cys)

Gene: SMPD1 (sphingomyelin phosphodiesterase 1; plus strand). Cytogenetic location: 11p15.4.
Variant type: single nucleotide variant.
Coding change: c.1343A>G on transcript NM_000543.5 (MANE Select); coding-DNA position 1343, A replaced by G.
Protein change: p.Tyr448Cys; replaces tyrosine 448 with cysteine.
Molecular consequence: missense variant. On other transcripts: non-coding transcript variant (2).
Genome position (GRCh38, 1-based): chr11:6,393,898, A>G. VCF-style: chr11-6393898-A-G. GRCh37 (hg19) VCF-style: chr11-6415128-A-G.
Other names: c.1340A>G, p.Tyr447Cys (NM_001007593.3); c.1343A>G, p.Tyr448Cys (NM_001318087.2); c.422A>G, p.Tyr141Cys (NM_001318088.2); c.1211A>G, p.Tyr404Cys (NM_001365135.2); short protein forms Y448C, Y404C, Y141C, Y447C.
Identifiers: ClinVar variation 242451 (VCV000242451.23), dbSNP rs747143343, ClinGen allele CA5852881.
Genomic context (GRCh38, chr11:6,393,898, plus strand): 5'-CCCCAGATGTCTTCCTACCCCTCCCTAGAATCTTCTGAATGTAGTACCTTCTGGCCAGGT[A>G]TGAGAACACCCTGGCTGCTCAGTTCTTTGGCCACACTCATGTGGATGAATTTGAGGTCTT-3'
Protein context (NP_000534.3, residues 438-458): SWNYYRIVAR[Tyr448Cys]ENTLAAQFFG